The following is an entry in ClinVar:

ClinVar aggregate classification (germline): Uncertain significance (1 of 4 stars; one submission).

gnomAD v4.1: 3 of 1,323,896 alleles (0.00023%); highest among the groups gnomAD compares: Admixed American, 0.003%; no homozygotes.

Submission:

Labcorp Genetics (formerly Invitae), Labcorp
Classification: Uncertain significance. Last evaluated: 2025-06-01. Review status: criteria provided, single submitter. Criteria: Invitae Variant Classification Sherloc (09022015). Collection method: clinical testing. Allele origin: germline.
Comment: This sequence change replaces glycine, which is neutral and non-polar, with arginine, which is basic and polar, at codon 377 of the FOXC2 protein (p.Gly377Arg). This variant is present in population databases (no rsID available, gnomAD 0.01%). This variant has not been reported in the literature in individuals affected with FOXC2-related conditions. An algorithm developed to predict the effect of missense changes on protein structure and function (PolyPhen-2) suggests that this variant is likely to be tolerated. In summary, the available evidence is currently insufficient to determine the role of this variant in disease. Therefore, it has been classified as a Variant of Uncertain Significance.

NM_005251.3(FOXC2):c.1129G>C (p.Gly377Arg)

Gene: FOXC2 (forkhead box C2; plus strand). Cytogenetic location: 16q24.1.
Variant type: single nucleotide variant.
Coding change: c.1129G>C on transcript NM_005251.3 (MANE Select); coding-DNA position 1129, G replaced by C.
Protein change: p.Gly377Arg; replaces glycine 377 with arginine.
Molecular consequence: missense variant.
Genome position (GRCh38, 1-based): chr16:86,568,464, G>C. VCF-style: chr16-86568464-G-C. GRCh37 (hg19) VCF-style: chr16-86602070-G-C.
Other names: short protein forms G377R.
Identifiers: ClinVar variation 4754891 (VCV004754891.1).
Genomic context (GRCh38, chr16:86,568,464, plus strand): 5'-GCCCTCTCGGACCACCCGAGCGGCCCCACGTCGCCCCTGAGCGCTCTCAACCTCGCCGCC[G>C]GCCAGGAGGGCGCGCTCGCCGCCACGGGCCACCACCACCAGCACCACGGCCACCACCACC-3'
Protein context (NP_005242.1, residues 367-387): SPLSALNLAA[Gly377Arg]QEGALAATGH